The following is an entry in ClinVar:

NM_000049.4(ASPA):c.527-1G>T

Genes: ASPA (aspartoacylase; plus strand), SPATA22 (spermatogenesis associated 22; minus strand). Cytogenetic location: 17p13.2.
Variant type: single nucleotide variant.
Coding change: c.527-1G>T on transcript NM_000049.4 (MANE Select); the canonical splice acceptor site of the intron before coding-DNA position 527, G replaced by T.
Molecular consequence: splice acceptor variant. On other transcripts: intron variant (2).
Genome position (GRCh38, 1-based): chr17:3,489,234, G>T. VCF-style: chr17-3489234-G-T. GRCh37 (hg19) VCF-style: chr17-3392528-G-T.
Other names: c.-73-19836C>A (NM_001321336.2, NM_001321337.2); c.527-1G>T (NM_001128085.1).
Identifiers: ClinVar variation 4818459 (VCV004818459.2).

ClinVar aggregate classification (germline): Conflicting classifications of pathogenicity. Review status: criteria provided, conflicting classifications (1 of 4 stars). 2 submissions from 2 submitters: Likely pathogenic (1); Uncertain significance (1). Last evaluated 2026-08-18.

Conditions:
Spongy degeneration of central nervous system. Also called: ACY2 DEFICIENCY; AMINOACYLASE 2 DEFICIENCY; ASP DEFICIENCY; ASPA DEFICIENCY; ASPARTOACYLASE DEFICIENCY; CANAVAN-VAN BOGAERT-BERTRAND DISEASE. Identifiers: Orphanet 141, MedGen C0206307, MONDO:0010079, OMIM 271900.

gnomAD v4.1: 1 of 1,588,058 alleles (0.000063%); highest among the groups gnomAD compares: South Asian, 0.0011%; no homozygotes.

Submissions (2):

Myriad Genetics, Inc.
Classification: Uncertain significance for Spongy degeneration of central nervous system. Last evaluated: 2026-08-18. Review status: criteria provided, single submitter. Criteria: Myriad Autosomal Dominant, Autosomal Recessive and X-Linked Classification Criteria (2023). Collection method: clinical testing. Allele origin: unknown.
Comment: NM_000049.2(ASPA):c.527-1G>T is a variant in a canonical splice site classified as a variant of uncertain significance in the context of Canavan disease. c.527-1G>T has not been observed in cases with relevant disease. Relevant functional assessments of this variant are not available in the literature. c.527-1G>T has not been observed in referenced population frequency databases. In summary, there is insufficient evidence to classify NM_000049.2(ASPA):c.527-1G>T as pathogenic or benign. Please note: this variant was assessed in the context of healthy population screening.

Natera, Inc.
Classification: Likely pathogenic for Canavan Disease. Last evaluated: 2024-05-20. Review status: criteria provided, single submitter. Criteria: Natera Variant Classification Schema (03/2026). Collection method: clinical testing. Allele origin: germline.
Comment: The c.527-1G>T variant in ASPA is a canonical splice acceptor site variant predicted to affect pre-mRNA splicing, which may result in an abnormal transcript and altered protein product. This variant is expected to result in nonsense mediated decay, truncation, or a dysfunctional protein product. This variant is rare in the general population with a frequency below the threshold expected for the associated phenotype(s). Given the available evidence, this variant is classified as Likely Pathogenic.